The following is an entry in ClinVar:

NM_032861.4(SERAC1):c.*1_*2del (p.Ter655=)

Gene: SERAC1 (serine active site containing 1; minus strand). Cytogenetic location: 6q25.3.
Variant type: Deletion.
Coding change: c.*1_*2del on transcript NM_032861.4 (MANE Select); 1 bases downstream of the stop codon through 2 bases downstream of the stop codon, 2 bases deleted (CA; older notation c.*1_*2delCA).
Protein change: p.Ter655=.
Molecular consequence: no sequence alteration.
Genome position (GRCh38, 1-based): chr6:158,111,364-158,111,365, TG deleted on the plus strand (CA on the coding strand, the reverse complement: SERAC1 is on the minus strand); deleting any 2 consecutive bases within chr6:158,111,364-158,111,366 gives the same sequence; the c. name uses the placement nearest the transcript's 3' end. VCF-style (leftmost placement, unchanged base first): chr6-158111363-CTG-C. GRCh37 (hg19) VCF-style: chr6-158532395-CTG-C.
Identifiers: ClinVar variation 4981579 (VCV004981579.1).

ClinVar aggregate classification (germline): Uncertain significance (1 of 4 stars; one submission).

Conditions:
SERAC1-related disorder. Also called: SERAC1-related condition; SERAC1-related disorders.

Submission:

PreventionGenetics, part of Exact Sciences
Classification: Uncertain significance for SERAC1-related condition. Last evaluated: 2026-02-19. Review status: criteria provided, single submitter. Criteria: ACMG Guidelines, 2015. Collection method: clinical testing. Allele origin: germline.
Comment: The SERAC1 c.*1_*2delCA variant is located in the 3' untranslated region. To our knowledge, this variant has not been reported in the literature. This variant is reported in 0.0029% of alleles in individuals of European (Non-Finnish) descent in gnomAD. At this time, the clinical significance of this variant is uncertain due to the absence of conclusive functional and genetic evidence.